The following is an entry in ClinVar:

ClinVar aggregate classification (germline): Uncertain significance (1 of 4 stars; one submission).

Conditions:
Inborn genetic diseases. Identifiers: MedGen C0950123, MeSH D030342.

Submission:

Ambry Genetics
Classification: Uncertain significance for Inborn genetic diseases. Last evaluated: 2025-11-08. Review status: criteria provided, single submitter. Criteria: Ambry Variant Classification Scheme 2023. Collection method: clinical testing. Allele origin: germline.
Comment: The p.P1255T variant (also known as c.3763C>A), located in coding exon 1 of the SAMD9 gene, results from a C to A substitution at nucleotide position 3763. The proline at codon 1255 is replaced by threonine, an amino acid with highly similar properties. This amino acid position is conserved. In addition, this alteration is predicted to be tolerated by in silico analysis. Based on the available evidence, the clinical significance of this variant remains unclear.

NM_017654.4(SAMD9):c.3763C>A (p.Pro1255Thr)

Gene: SAMD9 (sterile alpha motif domain containing 9; minus strand). Cytogenetic location: 7q21.2.
Variant type: single nucleotide variant.
Coding change: c.3763C>A on transcript NM_017654.4 (MANE Select); coding-DNA position 3763, C replaced by A.
Protein change: p.Pro1255Thr; replaces proline 1255 with threonine.
Molecular consequence: missense variant.
Genome position (GRCh38, 1-based): chr7:93,102,335, G>T on the plus strand (C>A on the coding strand, the complement: SAMD9 is on the minus strand). VCF-style: chr7-93102335-G-T. GRCh37 (hg19) VCF-style: chr7-92731648-G-T.
Other names: c.3763C>A, p.Pro1255Thr (NM_001193307.2); short protein forms P1255T.
Identifiers: ClinVar variation 4629932 (VCV004629932.1).